The following is an entry in ClinVar:

ClinVar aggregate classification (germline): Uncertain significance (1 of 4 stars; one submission).

Submission:

GeneDx
Classification: Uncertain significance. Last evaluated: 2023-01-18. Review status: criteria provided, single submitter. Criteria: GeneDx Variant Classification Process June 2021. Collection method: clinical testing. Allele origin: germline. Affected: yes.
Comment: Not observed at significant frequency in large population cohorts (gnomAD); In silico analysis supports that this missense variant has a deleterious effect on protein structure/function; Has not been previously published as pathogenic or benign to our knowledge

NM_001376571.1(MADD):c.1402A>G (p.Thr468Ala)

Gene: MADD (MAP kinase activating death domain; plus strand). Cytogenetic location: 11p11.2.
Variant type: single nucleotide variant.
Coding change: c.1402A>G on transcript NM_001376571.1 (MANE Select); coding-DNA position 1402, A replaced by G.
Protein change: p.Thr468Ala; replaces threonine 468 with alanine.
Molecular consequence: missense variant. On other transcripts: non-coding transcript variant (8).
Genome position (GRCh38, 1-based): chr11:47,281,686, A>G. VCF-style: chr11-47281686-A-G. GRCh37 (hg19) VCF-style: chr11-47303237-A-G.
Other names: c.1402A>G, p.Thr468Ala (NM_001135943.2, NM_001135944.2, NM_001376572.1 and 80 more transcripts); c.1198A>G, p.Thr400Ala (NM_001376620.1, NM_001376626.1, NM_001376627.1 and 9 more transcripts); c.736A>G, p.Thr246Ala (NM_001376663.1); short protein forms T246A, T400A, T468A.
Identifiers: ClinVar variation 2573945 (VCV002573945.1), dbSNP rs901572589, ClinGen allele CA221690290.